The following is an entry in ClinVar:

NM_002692.4(POLE2):c.454A>G (p.Ile152Val)

Gene: POLE2 (DNA polymerase epsilon 2, accessory subunit; minus strand). Cytogenetic location: 14q21.3.
Variant type: single nucleotide variant.
Coding change: c.454A>G on transcript NM_002692.4 (MANE Select); coding-DNA position 454, A replaced by G.
Protein change: p.Ile152Val; replaces isoleucine 152 with valine.
Molecular consequence: missense variant.
Genome position (GRCh38, 1-based): chr14:49,669,562, T>C on the plus strand (A>G on the coding strand, the complement: POLE2 is on the minus strand). VCF-style: chr14-49669562-T-C. GRCh37 (hg19) VCF-style: chr14-50136280-T-C.
Other names: c.376A>G, p.Ile126Val (NM_001197330.2); c.454A>G, p.Ile152Val (NM_001197331.3, NM_001348384.2); c.223A>G, p.Ile75Val (NM_001348385.2); short protein forms I126V, I75V, I152V.
Identifiers: ClinVar variation 3669715 (VCV003669715.2).

ClinVar aggregate classification (germline): Uncertain significance (1 of 4 stars; one submission).

gnomAD v4.1: 2 of 1,601,438 alleles (0.00012%); highest among the groups gnomAD compares: Admixed American, 0.0033%; no homozygotes.

Submission:

Labcorp Genetics (formerly Invitae), Labcorp
Classification: Uncertain significance. Last evaluated: 2024-05-31. Review status: criteria provided, single submitter. Criteria: Invitae Variant Classification Sherloc (09022015). Collection method: clinical testing. Allele origin: germline.
Comment: This sequence change replaces isoleucine, which is neutral and non-polar, with valine, which is neutral and non-polar, at codon 152 of the POLE2 protein (p.Ile152Val). This variant is present in population databases (no rsID available, gnomAD 0.003%). This variant has not been reported in the literature in individuals affected with POLE2-related conditions. Algorithms developed to predict the effect of missense changes on protein structure and function output the following: SIFT: "Not Available"; PolyPhen-2: "Benign"; Align-GVGD: "Not Available". The valine amino acid residue is found in multiple mammalian species, which suggests that this missense change does not adversely affect protein function. In summary, the available evidence is currently insufficient to determine the role of this variant in disease. Therefore, it has been classified as a Variant of Uncertain Significance.